The following is an entry in ClinVar:

ClinVar aggregate classification (germline): Uncertain significance (1 of 4 stars; one submission).

Conditions:
Familial intrahepatic cholestasis. Identifiers: Orphanet 284385, MedGen CN296401, MONDO:0017290.

gnomAD v4.1: 8 of 1,612,770 alleles (0.0005%); highest among the groups gnomAD compares: Non-Finnish European, 0.00068%; no homozygotes.

Submission:

Genomenon, Inc
Classification: Uncertain significance for Familial intrahepatic cholestasis. Last evaluated: 2026-04-14. Review status: criteria provided, single submitter. Criteria: Genomenon Sequence Variant Interpretation Standards - Updated. Collection method: curation. Allele origin: germline. Affected: no.
Comment: ABCB11 p.Ser488Cys (c.1463C>G) is a missense variant that changes the amino acid at residue 488 from Serine to Cysteine. This variant has been reported in the published literature (PMID:37208429). It is absent or not present at a significant frequency in gnomAD. In conclusion, we classify ABCB11 p.Ser488Cys (c.1463C>G) as a variant of uncertain significance.

Literature cited by the submitters: PubMed 37208429.

NM_003742.4(ABCB11):c.1463C>G (p.Ser488Cys)

Gene: ABCB11 (ATP binding cassette subfamily B member 11; minus strand). Cytogenetic location: 2q31.1.
Variant type: single nucleotide variant.
Coding change: c.1463C>G on transcript NM_003742.4 (MANE Select); coding-DNA position 1463, C replaced by G.
Protein change: p.Ser488Cys; replaces serine 488 with cysteine.
Molecular consequence: missense variant.
Genome position (GRCh38, 1-based): chr2:168,972,022, G>C on the plus strand (C>G on the coding strand, the complement: ABCB11 is on the minus strand). VCF-style: chr2-168972022-G-C. GRCh37 (hg19) VCF-style: chr2-169828532-G-C.
Other names: short protein forms S488C.
Identifiers: ClinVar variation 4846177 (VCV004846177.1).